The following is an entry in ClinVar:

NM_006231.4(POLE):c.115C>G (p.Gln39Glu)

Gene: POLE (DNA polymerase epsilon, catalytic subunit; minus strand). Cytogenetic location: 12q24.33.
Variant type: single nucleotide variant.
Coding change: c.115C>G on transcript NM_006231.4 (MANE Select); coding-DNA position 115, C replaced by G.
Protein change: p.Gln39Glu; replaces glutamine 39 with glutamic acid.
Molecular consequence: missense variant.
Genome position (GRCh38, 1-based): chr12:132,681,227, G>C on the plus strand (C>G on the coding strand, the complement: POLE is on the minus strand). VCF-style: chr12-132681227-G-C. GRCh37 (hg19) VCF-style: chr12-133257813-G-C.
Other names: short protein forms Q39E.
Identifiers: ClinVar variation 2794876 (VCV002794876.3), dbSNP rs2136034450, ClinGen allele CA387370323.

ClinVar aggregate classification (germline): Uncertain significance (1 of 4 stars; one submission).

Submission:

Labcorp Genetics (formerly Invitae), Labcorp
Classification: Uncertain significance. Last evaluated: 2023-12-06. Review status: criteria provided, single submitter. Criteria: Invitae Variant Classification Sherloc (09022015). Collection method: clinical testing. Allele origin: germline.
Comment: This sequence change replaces glutamine, which is neutral and polar, with glutamic acid, which is acidic and polar, at codon 39 of the POLE protein (p.Gln39Glu). This variant is not present in population databases (gnomAD no frequency). This variant has not been reported in the literature in individuals affected with POLE-related conditions. Advanced modeling of protein sequence and biophysical properties (such as structural, functional, and spatial information, amino acid conservation, physicochemical variation, residue mobility, and thermodynamic stability) performed at Invitae indicates that this missense variant is not expected to disrupt POLE protein function with a negative predictive value of 80%. In summary, the available evidence is currently insufficient to determine the role of this variant in disease. Therefore, it has been classified as a Variant of Uncertain Significance.